The following is an entry in ClinVar:

ClinVar aggregate classification (germline): Uncertain significance (1 of 4 stars; one submission).

Submission:

Labcorp Genetics (formerly Invitae), Labcorp
Classification: Uncertain significance. Last evaluated: 2022-07-08. Review status: criteria provided, single submitter. Criteria: Invitae Variant Classification Sherloc (09022015). Collection method: clinical testing. Allele origin: germline.
Comment: In summary, the available evidence is currently insufficient to determine the role of this variant in disease. Therefore, it has been classified as a Variant of Uncertain Significance. Algorithms developed to predict the effect of missense changes on protein structure and function are either unavailable or do not agree on the potential impact of this missense change (SIFT: "Deleterious"; PolyPhen-2: "Probably Damaging"; Align-GVGD: "Class C0"). This variant has not been reported in the literature in individuals affected with GNPAT-related conditions. This variant is not present in population databases (gnomAD no frequency). This sequence change replaces glutamic acid, which is acidic and polar, with aspartic acid, which is acidic and polar, at codon 305 of the GNPAT protein (p.Glu305Asp).

NM_014236.4(GNPAT):c.915G>C (p.Glu305Asp)

Gene: GNPAT (glyceronephosphate O-acyltransferase; plus strand). Cytogenetic location: 1q42.2.
Variant type: single nucleotide variant.
Coding change: c.915G>C on transcript NM_014236.4 (MANE Select); coding-DNA position 915, G replaced by C.
Protein change: p.Glu305Asp; replaces glutamic acid 305 with aspartic acid.
Molecular consequence: missense variant.
Genome position (GRCh38, 1-based): chr1:231,266,156, G>C. VCF-style: chr1-231266156-G-C. GRCh37 (hg19) VCF-style: chr1-231401902-G-C.
Other names: c.732G>C, p.Glu244Asp (NM_001316350.2); short protein forms E305D, E244D.
Identifiers: ClinVar variation 2015143 (VCV002015143.4), dbSNP rs574553, ClinGen allele CA345234408.